The following is an entry in ClinVar:

NM_020987.5(ANK3):c.6945T>G (p.His2315Gln)

Gene: ANK3 (ankyrin 3; minus strand). Cytogenetic location: 10q21.2.
Variant type: single nucleotide variant.
Coding change: c.6945T>G on transcript NM_020987.5 (MANE Select); coding-DNA position 6945, T replaced by G.
Protein change: p.His2315Gln; replaces histidine 2315 with glutamine.
Molecular consequence: missense variant. On other transcripts: intron variant (4).
Genome position (GRCh38, 1-based): chr10:60,073,936, A>C on the plus strand (T>G on the coding strand, the complement: ANK3 is on the minus strand). VCF-style: chr10-60073936-A-C. GRCh37 (hg19) VCF-style: chr10-61833694-A-C.
Other names: c.6945T>G (NM_020987.3); c.4388-5927T>G (NM_001204403.2); c.4409-5927T>G (NM_001204404.2); c.4406-5927T>G (NM_001320874.2); c.1808-5927T>G (NM_001149.4); short protein forms H2315Q.
Identifiers: ClinVar variation 1500933 (VCV001500933.30), dbSNP rs375411220, ClinGen allele CA5511782.
Genomic context (GRCh38, chr10:60,073,936, plus strand): 5'-TTCGATGTGGACTTCTATTATACGCTCCAGTTTGGGTTTCATTTGGTTGTCCTTCTCTGC[A>C]TGCTGGGCTGAGGTTTCAGCAGCAGACTTGTGAACATCTGGAGACACTGCCGACTTATGT-3'
Protein context (NP_066267.2, residues 2305-2325): HKSAAETSAQ[His2315Gln]AEKDNQMKPK

ClinVar aggregate classification (germline): Conflicting classifications of pathogenicity. Review status: criteria provided, conflicting classifications (1 of 4 stars). 3 submissions from 3 submitters: Uncertain significance (1); Likely benign (2). Last evaluated 2025-02-25.

Conditions:
Inborn genetic diseases. Identifiers: MedGen C0950123, MeSH D030342.

Allele frequency attached by ClinVar (database versions not stated): ESP Exome Variant Server 0.00008; TOPMed 0.00009; gnomAD 0.00010 and 0.00011.

Submissions (3):

Labcorp Genetics (formerly Invitae), Labcorp
Classification: Uncertain significance. Last evaluated: 2025-02-25. Review status: criteria provided, single submitter. Criteria: Invitae Variant Classification Sherloc (09022015). Collection method: clinical testing. Allele origin: germline.
Comment: This sequence change replaces histidine with glutamine at codon 2315 of the ANK3 protein (p.His2315Gln). The histidine residue is weakly conserved and there is a small physicochemical difference between histidine and glutamine. This variant is present in population databases (rs375411220, gnomAD 0.02%). This variant has not been reported in the literature in individuals affected with ANK3-related conditions. ClinVar contains an entry for this variant (Variation ID: 1500933). Invitae Evidence Modeling of protein sequence and biophysical properties (such as structural, functional, and spatial information, amino acid conservation, physicochemical variation, residue mobility, and thermodynamic stability) indicates that this missense variant is not expected to disrupt ANK3 protein function with a negative predictive value of 80%. In summary, the available evidence is currently insufficient to determine the role of this variant in disease. Therefore, it has been classified as a Variant of Uncertain Significance.

Ambry Genetics
Classification: Likely benign for Inborn genetic diseases. Last evaluated: 2024-11-21. Review status: criteria provided, single submitter. Criteria: Ambry Variant Classification Scheme 2023. Collection method: clinical testing. Allele origin: germline.

CeGaT Center for Human Genetics Tuebingen
Classification: Likely benign. Last evaluated: 2022-11-01. Review status: criteria provided, single submitter. Criteria: CeGaT Center For Human Genetics Tuebingen Variant Classification Criteria Version 2. Collection method: clinical testing. Allele origin: germline. Affected: yes. Observed: 1 variant allele.
Comment: ANK3: BP4